The following is an entry in ClinVar:

ClinVar aggregate classification (germline): Uncertain significance (1 of 4 stars; one submission).

gnomAD v4.1: 1 of 1,548,522 alleles (0.000065%); highest among the groups gnomAD compares: Non-Finnish European, 0.000087%; no homozygotes.

Submission:

Labcorp Genetics (formerly Invitae), Labcorp
Classification: Uncertain significance. Last evaluated: 2022-02-27. Review status: criteria provided, single submitter. Criteria: Invitae Variant Classification Sherloc (09022015). Collection method: clinical testing. Allele origin: germline.
Comment: This variant is not present in population databases (gnomAD no frequency). This variant has not been reported in the literature in individuals affected with ZNF469-related conditions. Algorithms developed to predict the effect of missense changes on protein structure and function (SIFT, PolyPhen-2, Align-GVGD) all suggest that this variant is likely to be tolerated. In summary, the available evidence is currently insufficient to determine the role of this variant in disease. Therefore, it has been classified as a Variant of Uncertain Significance. This sequence change replaces glycine, which is neutral and non-polar, with aspartic acid, which is acidic and polar, at codon 466 of the ZNF469 protein (p.Gly466Asp).

NM_001367624.2(ZNF469):c.1397G>A (p.Gly466Asp)

Gene: ZNF469 (zinc finger protein 469; plus strand). Cytogenetic location: 16q24.2.
Variant type: single nucleotide variant.
Coding change: c.1397G>A on transcript NM_001367624.2 (MANE Select); coding-DNA position 1397, G replaced by A.
Protein change: p.Gly466Asp; replaces glycine 466 with aspartic acid.
Molecular consequence: missense variant.
Genome position (GRCh38, 1-based): chr16:88,428,867, G>A. VCF-style: chr16-88428867-G-A. GRCh37 (hg19) VCF-style: chr16-88495275-G-A.
Other names: short protein forms G466D.
Identifiers: ClinVar variation 2103807 (VCV002103807.4), dbSNP rs572830358, ClinGen allele CA397066552.